The following is an entry in ClinVar:

NM_000195.5(HPS1):c.1989del (p.Arg663fs)

Gene: HPS1 (HPS1 biogenesis of lysosomal organelles complex 3 subunit 1; minus strand). Cytogenetic location: 10q24.2.
Variant type: Deletion.
Coding change: c.1989del on transcript NM_000195.5 (MANE Select); coding-DNA position 1989, one base deleted (G; older notation c.1989delG).
Protein change: p.Arg663fs; shifts the reading frame from arginine 663.
Molecular consequence: frameshift variant.
Genome position (GRCh38, 1-based): chr10:98,417,678, C deleted on the plus strand (G on the coding strand, the reverse complement: HPS1 is on the minus strand); the first of 2 consecutive C bases (chr10:98,417,678-98,417,679); deleting either gives the same sequence. VCF-style (leftmost placement, unchanged base first): chr10-98417677-AC-A. GRCh37 (hg19) VCF-style: chr10-100177434-AC-A.
Other names: c.1017del, p.Arg339fs (NM_001311345.2, NM_001322487.2, NM_001322489.2); c.1989del, p.Arg663fs (NM_001322476.2, NM_001322477.2); c.1890del, p.Arg630fs (NM_001322478.2, NM_001322479.2); c.1728del, p.Arg576fs (NM_001322480.2, NM_001322481.2); c.1629del, p.Arg543fs (NM_001322482.2); c.1620del, p.Arg540fs (NM_001322483.2, NM_001322484.2); c.1521del, p.Arg507fs (NM_001322485.2); short protein forms R339fs, R540fs, R507fs, R543fs, R576fs, R630fs, R663fs.
Identifiers: ClinVar variation 817694 (VCV000817694.1), dbSNP rs1591003183, ClinGen allele CA915947561.

ClinVar aggregate classification (germline): Likely pathogenic (1 of 4 stars; one submission).

Submission:

GeneDx
Classification: Likely pathogenic. Last evaluated: 2018-06-08. Review status: criteria provided, single submitter. Criteria: GeneDx Variant Classification (06012015). Collection method: clinical testing. Allele origin: germline. Affected: yes.
Comment: The c.1989delG variant in the HPS1 gene has not been reported previously as a pathogenic variant nor as a benign variant, to our knowledge. The c.1989delG variant causes a frameshift starting with codon Arginine 663, changes this amino acid to a Serine residue, and creates a premature Stop codon at position 62 of the new reading frame, denoted p.Arg663SerfsX62. This variant is predicted to cause loss of normal protein function. The c.1989delG variant is not observed in large population cohorts (Lek et al., 2016). We interpret c.1989delG as a likely pathogenic variant.